The following is an entry in ClinVar:

NM_000466.3(PEX1):c.2276G>A (p.Cys759Tyr)

Gene: PEX1 (peroxisomal biogenesis factor 1; minus strand). Cytogenetic location: 7q21.2.
Variant type: single nucleotide variant.
Coding change: c.2276G>A on transcript NM_000466.3 (MANE Select); coding-DNA position 2276, G replaced by A.
Protein change: p.Cys759Tyr; replaces cysteine 759 with tyrosine.
Molecular consequence: missense variant.
Genome position (GRCh38, 1-based): chr7:92,502,030, C>T on the plus strand (G>A on the coding strand, the complement: PEX1 is on the minus strand). VCF-style: chr7-92502030-C-T. GRCh37 (hg19) VCF-style: chr7-92131344-C-T.
Other names: c.2105G>A, p.Cys702Tyr (NM_001282677.2); c.1652G>A, p.Cys551Tyr (NM_001282678.2); short protein forms C551Y, C702Y, C759Y.
Identifiers: ClinVar variation 1945607 (VCV001945607.2), dbSNP rs144878087, ClinGen allele CA161960451.

ClinVar aggregate classification (germline): Uncertain significance (1 of 4 stars; one submission).

Conditions:
Zellweger spectrum disorders (ZS). Also called: Zellweger Spectrum Disorder; Zellweger Spectrum; Zellweger Spectrum Disorder (ZSD); Zellweger syndrome. Identifiers: Orphanet 912, MedGen C0043459, MONDO:0019609.

Allele frequency attached by ClinVar (database versions not stated): gnomAD exomes below 0.00001; ESP Exome Variant Server 0.00008.
gnomAD v4.1: 2 of 1,613,006 alleles (0.00012%); highest among the groups gnomAD compares: African/African-American, 0.0013%; no homozygotes.

Submission:

Labcorp Genetics (formerly Invitae), Labcorp
Classification: Uncertain significance for Zellweger spectrum disorders. Last evaluated: 2022-02-03. Review status: criteria provided, single submitter. Criteria: Invitae Variant Classification Sherloc (09022015). Collection method: clinical testing. Allele origin: germline.
Comment: This sequence change replaces cysteine, which is neutral and slightly polar, with tyrosine, which is neutral and polar, at codon 759 of the PEX1 protein (p.Cys759Tyr). This variant is not present in population databases (gnomAD no frequency). This variant has not been reported in the literature in individuals affected with PEX1-related conditions. Advanced modeling of protein sequence and biophysical properties (such as structural, functional, and spatial information, amino acid conservation, physicochemical variation, residue mobility, and thermodynamic stability) performed at Invitae indicates that this missense variant is not expected to disrupt PEX1 protein function. In summary, the available evidence is currently insufficient to determine the role of this variant in disease. Therefore, it has been classified as a Variant of Uncertain Significance.